The following is an entry in ClinVar:

ClinVar aggregate classification (germline): Uncertain significance (1 of 4 stars; one submission).

Allele frequency attached by ClinVar (database versions not stated): gnomAD 0.00001; TOPMed 0.00001; gnomAD exomes 0.00002.
gnomAD v4.1: 31 of 1,614,014 alleles (0.0019%); highest among the groups gnomAD compares: Non-Finnish European, 0.0024%; no homozygotes.

Submission:

Labcorp Genetics (formerly Invitae), Labcorp
Classification: Uncertain significance. Last evaluated: 2017-09-28. Review status: criteria provided, single submitter. Criteria: Invitae Variant Classification Sherloc (09022015). Collection method: clinical testing. Allele origin: germline.
Comment: In summary, the available evidence is currently insufficient to determine the role of this variant in disease. Therefore, it has been classified as a Variant of Uncertain Significance. Algorithms developed to predict the effect of missense changes on protein structure and function output the following: SIFT: "Tolerated"; PolyPhen-2: "Benign"; Align-GVGD: "Class C0". The serine amino acid residue is found in multiple mammalian species, suggesting that this missense change does not adversely affect protein function. These predictions have not been confirmed by published functional studies and their clinical significance is uncertain. This variant has not been reported in the literature in individuals with LRP5-related disease. This variant is not present in population databases (ExAC no frequency). This sequence change replaces alanine with serine at codon 97 of the LRP5 protein (p.Ala97Ser). The alanine residue is moderately conserved and there is a moderate physicochemical difference between alanine and serine.

NM_002335.4(LRP5):c.289G>T (p.Ala97Ser)

Gene: LRP5 (LDL receptor related protein 5; plus strand). Cytogenetic location: 11q13.2.
Variant type: single nucleotide variant.
Coding change: c.289G>T on transcript NM_002335.4 (MANE Select); coding-DNA position 289, G replaced by T.
Protein change: p.Ala97Ser; replaces alanine 97 with serine.
Molecular consequence: missense variant. On other transcripts: 5 prime UTR variant (1).
Genome position (GRCh38, 1-based): chr11:68,348,044, G>T. VCF-style: chr11-68348044-G-T. GRCh37 (hg19) VCF-style: chr11-68115512-G-T.
Other names: c.-1477G>T (NM_001291902.2); short protein forms A97S.
Identifiers: ClinVar variation 1060419 (VCV001060419.9), dbSNP rs938915333, ClinGen allele CA224271124.